The following is an entry in ClinVar:

NM_000179.3(MSH6):c.270C>G (p.Phe90Leu)

Gene: MSH6 (mutS homolog 6; plus strand). Cytogenetic location: 2p16.3.
Variant type: single nucleotide variant.
Coding change: c.270C>G on transcript NM_000179.3 (MANE Select); coding-DNA position 270, C replaced by G.
Protein change: p.Phe90Leu; replaces phenylalanine 90 with leucine.
Molecular consequence: missense variant. On other transcripts: 5 prime UTR variant (2), intron variant (1).
Genome position (GRCh38, 1-based): chr2:47,790,936, C>G. VCF-style: chr2-47790936-C-G. GRCh37 (hg19) VCF-style: chr2-48018075-C-G.
Other names: c.-467C>G (NM_001281493.2); c.-633C>G (NM_001281494.2); c.237+7466C>G (NM_001281492.2); short protein forms F90L.
Identifiers: ClinVar variation 1483678 (VCV001483678.8), dbSNP rs2104098775, ClinGen allele CA346736491.
Genomic context (GRCh38, chr2:47,790,936, plus strand): 5'-AGGAAACTTGACCAAATATTAACTAAGTTATGTATTTCCTTTTGGCAACAGTTGTGACTT[C>G]TCACCAGGAGATTTGGTTTGGGCCAAGATGGAGGGTTACCCCTGGTGGCCTTGTCTGGTT-3'
Protein context (NP_000170.1, residues 80-100): VAPAAPTSCD[Phe90Leu]SPGDLVWAKM

ClinVar aggregate classification (germline): Uncertain significance (1 of 4 stars; one submission).

Conditions:
Hereditary nonpolyposis colorectal neoplasms. Identifiers: MedGen C0009405, MeSH D003123.

Submission:

Labcorp Genetics (formerly Invitae), Labcorp
Classification: Uncertain significance for Hereditary nonpolyposis colorectal neoplasms. Last evaluated: 2021-06-05. Review status: criteria provided, single submitter. Criteria: Invitae Variant Classification Sherloc (09022015). Collection method: clinical testing. Allele origin: germline.
Comment: In summary, the available evidence is currently insufficient to determine the role of this variant in disease. Therefore, it has been classified as a Variant of Uncertain Significance. Advanced modeling of protein sequence and biophysical properties (such as structural, functional, and spatial information, amino acid conservation, physicochemical variation, residue mobility, and thermodynamic stability) performed at Invitae indicates that this missense variant is not expected to disrupt MSH6 protein function. This variant has not been reported in the literature in individuals with MSH6-related conditions. This variant is not present in population databases (ExAC no frequency). This sequence change replaces phenylalanine with leucine at codon 90 of the MSH6 protein (p.Phe90Leu). The phenylalanine residue is moderately conserved and there is a small physicochemical difference between phenylalanine and leucine.